The following is an entry in ClinVar:

NM_001375380.1(EBF3):c.1173C>G (p.Tyr391Ter)

Gene: EBF3 (EBF transcription factor 3; minus strand). Cytogenetic location: 10q26.3.
Variant type: single nucleotide variant.
Coding change: c.1173C>G on transcript NM_001375380.1 (MANE Select); coding-DNA position 1173, C replaced by G.
Protein change: p.Tyr391Ter; replaces tyrosine 391 with a stop codon.
Molecular consequence: nonsense.
Genome position (GRCh38, 1-based): chr10:129,843,158, G>C on the plus strand (C>G on the coding strand, the complement: EBF3 is on the minus strand). VCF-style: chr10-129843158-G-C. GRCh37 (hg19) VCF-style: chr10-131641422-G-C.
Other names: c.1146C>G, p.Tyr382Ter (NM_001005463.3, NM_001375390.1, NM_001375392.1); c.1173C>G, p.Tyr391Ter (NM_001375379.1, NM_001375389.1, NM_001375391.1); short protein forms Y382*, Y391*.
Identifiers: ClinVar variation 4526920 (VCV004526920.2).

ClinVar aggregate classification (germline): Pathogenic. Review status: criteria provided, multiple submitters, no conflicts (2 of 4 stars). 2 submissions from 2 submitters: Pathogenic (2). Last evaluated 2026-05-18.

Conditions:
Hypotonia, ataxia, and delayed development syndrome (HADDS). Also called: EBF3 Neurodevelopmental Disorder. Identifiers: Orphanet 658843, MedGen C4310618, MONDO:0015021, OMIM 617330.

Submissions (2):

Victorian Clinical Genetics Services, Murdoch Childrens Research Institute
Classification: Pathogenic for Hypotonia, ataxia, and delayed development syndrome. Last evaluated: 2026-05-18. Review status: criteria provided, single submitter. Criteria: ACMG Guidelines, 2015. Collection method: clinical testing. Allele origin: germline. Affected: yes.
Comment: This variant is classified as Pathogenic. Evidence in support of pathogenic classification: Variant is predicted to cause nonsense-mediated decay (NMD) and loss of protein (premature termination codon is located at least 54 nucleotides upstream of the final exon-exon junction); Variant is absent from gnomAD (v2, v3 and v4); This variant has limited previous evidence of pathogenicity in an unrelated individual(s). This variant has been classified as pathogenic by a clinical laboratory in ClinVar; Other NMD-predicted variant(s) comparable to the one identified in this case have very strong previous evidence for pathogenicity (DECIPHER); Additional information: This variant is heterozygous; This gene is associated with autosomal dominant disease; Loss of function and dominant negative are known mechanisms of disease in this gene and are associated with hypotonia, ataxia, and delayed development syndrome (MIM#617330) (PMID: 33956416); Variants in this gene are known to have variable expressivity (PMID: 33956416).

GeneDx
Classification: Pathogenic. Last evaluated: 2025-05-03. Review status: criteria provided, single submitter. Criteria: GeneDx Variant Classification Process June 2021. Collection method: clinical testing. Allele origin: germline. Affected: yes.
Comment: Nonsense variant predicted to result in protein truncation or nonsense mediated decay in a gene for which loss of function is a known mechanism of disease; Not observed at significant frequency in large population cohorts (gnomAD); Has not been previously published as pathogenic or benign to our knowledge

Literature cited by the submitters: PubMed 33956416 (cited by Victorian Clinical Genetics Services, Murdoch Childrens Research Institute).